The following is an entry in ClinVar:

NM_000064.4(C3):c.3343G>A (p.Asp1115Asn)

Gene: C3 (complement C3; minus strand). Cytogenetic location: 19p13.3.
Variant type: single nucleotide variant.
Coding change: c.3343G>A on transcript NM_000064.4 (MANE Select); coding-DNA position 3343, G replaced by A.
Protein change: p.Asp1115Asn; replaces aspartic acid 1115 with asparagine.
Molecular consequence: missense variant.
Genome position (GRCh38, 1-based): chr19:6,692,971, C>T on the plus strand (G>A on the coding strand, the complement: C3 is on the minus strand). VCF-style: chr19-6692971-C-T. GRCh37 (hg19) VCF-style: chr19-6692982-C-T.
Other names: C3, ASP1093ASN; D1093N; c.3343G>A, p.Asp1115Asn (LRG_27t1); c.3343G>A (NM_000064.3); short protein forms D1115N.
Identifiers: ClinVar variation 17062 (VCV000017062.9), dbSNP rs121909585, ClinGen allele CA257695.

ClinVar aggregate classification (germline): Conflicting classifications of pathogenicity. Review status: criteria provided, conflicting classifications (1 of 4 stars). 6 submissions from 6 submitters: Likely pathogenic (3); Uncertain significance (2). 1 of the submissions does not count toward it. Last evaluated 2026-03-25.

Conditions:
C3-related disorders.
Atypical hemolytic-uremic syndrome. Identifiers: Orphanet 2134, MedGen C2931788, MONDO:0016244.
Atypical hemolytic-uremic syndrome with C3 anomaly. Also called: AHUS, SUSCEPTIBILITY TO, 5. Identifiers: Orphanet 2134, MedGen C2752037, MONDO:0013043, OMIM 612925.

Submissions (6):

GeneDx
Classification: Likely pathogenic. Last evaluated: 2026-03-25. Review status: criteria provided, single submitter. Criteria: GeneDx Variant Classification Process June 2021. Collection method: clinical testing. Allele origin: germline.
Comment: Published functional studies demonstrate a damaging effect on protein function (PMID: 30714990, 18796626); Not observed at significant frequency in large population cohorts (gnomAD); In silico analysis supports that this missense variant has a deleterious effect on protein structure/function; This variant is associated with the following publications: (PMID: 31130284, 40930830, Baothman[2018]CaseReport, 34169201, 37369098, 25899302, 30714990, 18796626, 33456446, 25608561)

Genomenon, Inc
Classification: Likely pathogenic for Atypical hemolytic-uremic syndrome. Last evaluated: 2025-09-30. Review status: criteria provided, single submitter. Criteria: Genomenon Sequence Variant Interpretation Standards. Collection method: curation. Allele origin: germline. Affected: yes.
Comment: C3 p.Asp1115Asn (c.3343G>A) is a missense variant that changes the amino acid at residue 1115 from Aspartic acid to Asparagine. This variant has been observed in at least one proband affected with atypical hemolytic-uremic syndrome (PMID:25608561;30890598;18796626;26361694;25899302). At least one functional study has demonstrated a substantial alteration in protein function relative to the wild-type (PMID:18796626). It is absent or not present at a significant frequency in gnomAD. In conclusion, we classify C3 p.Asp1115Asn (c.3343G>A) as a likely pathogenic variant.

Labcorp Genetics (formerly Invitae), Labcorp
Classification: Uncertain significance. Last evaluated: 2022-07-12. Review status: criteria provided, single submitter. Criteria: Invitae Variant Classification Sherloc (09022015). Collection method: clinical testing. Allele origin: germline.
Comment: This sequence change replaces aspartic acid, which is acidic and polar, with asparagine, which is neutral and polar, at codon 1115 of the C3 protein (p.Asp1115Asn). This variant is not present in population databases (gnomAD no frequency). This missense change has been observed in individual(s) with clinical features of atypical hemolytic uremic syndrome (PMID: 18796626, 25608561, 33456446, 34169201; Invitae). This variant is also known as D1093N. ClinVar contains an entry for this variant (Variation ID: 17062). Algorithms developed to predict the effect of missense changes on protein structure and function are either unavailable or do not agree on the potential impact of this missense change (SIFT: "Tolerated"; PolyPhen-2: "Possibly Damaging"; Align-GVGD: "Class C0"). Experimental studies have shown that this missense change affects C3 function (PMID: 18796626, 25608561). In summary, the available evidence is currently insufficient to determine the role of this variant in disease. Therefore, it has been classified as a Variant of Uncertain Significance.

Blueprint Genetics
Classification: Likely pathogenic for C3-related disorders. Last evaluated: 2020-01-02. Review status: criteria provided, single submitter. Criteria: ACMG Guidelines, 2015. Collection method: clinical testing. Allele origin: germline. Affected: yes. Observed: 2 variant alleles.

Baylor Genetics
Classification: Uncertain significance for Atypical hemolytic-uremic syndrome with C3 anomaly. Last evaluated: 2019-12-16. Review status: criteria provided, single submitter. Criteria: ACMG Guidelines, 2015. Collection method: clinical testing. Allele origin: unknown. Affected: yes.
Comment: This variant was determined to be of uncertain significance according to ACMG Guidelines, 2015 [PMID:25741868].

OMIM
Classification: risk factor for HEMOLYTIC UREMIC SYNDROME, ATYPICAL, SUSCEPTIBILITY TO, 5. Last evaluated: 2008-12-15. Review status: no assertion criteria provided. Collection method: literature only. Allele origin: germline. Not counted in ClinVar's aggregate classification.

Literature cited by the submitters: PubMed 25608561 (cited by Genomenon, Inc and Labcorp Genetics (formerly Invitae), Labcorp); PubMed 30890598 (cited by Genomenon, Inc); PubMed 18796626 (cited by 3 submitters); PubMed 26361694 (cited by Genomenon, Inc); PubMed 25899302 (cited by Genomenon, Inc); PubMed 33456446 (cited by Labcorp Genetics (formerly Invitae), Labcorp); PubMed 34169201 (cited by Labcorp Genetics (formerly Invitae), Labcorp).